The following is an entry in ClinVar:

NM_139137.4(KCNC2):c.516C>G (p.Pro172=)

Gene: KCNC2 (potassium voltage-gated channel subfamily C member 2; minus strand). Cytogenetic location: 12q21.1.
Variant type: single nucleotide variant.
Coding change: c.516C>G on transcript NM_139137.4 (MANE Select); coding-DNA position 516, C replaced by G.
Protein change: p.Pro172=; no amino-acid change (proline 172 retained).
Molecular consequence: synonymous variant. On other transcripts: non-coding transcript variant (2).
Genome position (GRCh38, 1-based): chr12:75,207,468, G>C on the plus strand (C>G on the coding strand, the complement: KCNC2 is on the minus strand). VCF-style: chr12-75207468-G-C. GRCh37 (hg19) VCF-style: chr12-75601248-G-C.
Other names: c.516C>G, p.Pro172= (NM_001260497.2, NM_001260498.2, NM_001260499.2 and 13 more transcripts).
Identifiers: ClinVar variation 3025814 (VCV003025814.22), dbSNP rs201428363, ClinGen allele CA6691256.
Genomic context (GRCh38, chr12:75,207,468, plus strand): 5'-GATGCCCAGCCTCTTGGCCGCCAGGTCCTCGTCGTCGCCGGGGTCGCCGCCAATGAGGTC[G>C]GGGGTCTCGAAGATGTCCAGCGCCTCCTCGGCGTCGCGGTGCTGCCGGTAGGTCATCCAG-3'
Protein context (NP_631875.1, residues 162-182): AEEALDIFET[Pro172=]DLIGGDPGDD

ClinVar aggregate classification (germline): Likely benign (1 of 4 stars; one submission).

Allele frequency attached by ClinVar (database versions not stated): ExAC 0.00001.
gnomAD v4.1: 4 of 1,612,178 alleles (0.00025%); highest among the groups gnomAD compares: Non-Finnish European, 0.00034%; no homozygotes.

Submission:

CeGaT Center for Human Genetics Tuebingen
Classification: Likely benign. Last evaluated: 2023-12-01. Review status: criteria provided, single submitter. Criteria: CeGaT Center For Human Genetics Tuebingen Variant Classification Criteria Version 2. Collection method: clinical testing. Allele origin: germline. Affected: yes. Observed: 1 variant allele.
Comment: KCNC2: BP4, BP7